The following is an entry in ClinVar:

NM_133459.4(CCBE1):c.499C>T (p.Arg167Trp)

Gene: CCBE1 (collagen and calcium binding EGF domains 1; minus strand). Cytogenetic location: 18q21.32.
Variant type: single nucleotide variant.
Coding change: c.499C>T on transcript NM_133459.4 (MANE Select); coding-DNA position 499, C replaced by T.
Protein change: p.Arg167Trp; replaces arginine 167 with tryptophan.
Molecular consequence: missense variant.
Genome position (GRCh38, 1-based): chr18:59,466,793, G>A on the plus strand (C>T on the coding strand, the complement: CCBE1 is on the minus strand). VCF-style: chr18-59466793-G-A. GRCh37 (hg19) VCF-style: chr18-57134025-G-A.
Other names: c.499C>T, p.Arg167Trp (LRG_1209t1); short protein forms R167W.
Identifiers: ClinVar variation 262354 (VCV000262354.17), dbSNP rs116675104, ClinGen allele CA8980476.

ClinVar aggregate classification (germline): Benign. Review status: criteria provided, multiple submitters, no conflicts (2 of 4 stars). 4 submissions from 4 submitters: Benign (4). Last evaluated 2026-01-22.

Conditions:
Hennekam lymphangiectasia-lymphedema syndrome 1 (HKLLS1). Also called: LYMPHATIC DYSPLASIA, GENERALIZED. Identifiers: Orphanet 2136, MedGen C4012050, MONDO:0009337, OMIM 235510.

Allele frequency attached by ClinVar (database versions not stated): gnomAD 0.00064 and 0.00110; TOPMed 0.00068; ESP Exome Variant Server 0.00108; gnomAD exomes 0.00129 and 0.00248; ExAC 0.00282; 1000 Genomes Project 30x 0.00328; 1000 Genomes Project 0.00339.
gnomAD v4.1: 2,091 of 1,613,702 alleles (0.13%); highest among the groups gnomAD compares: South Asian, 1.6%; 25 homozygotes.

Submissions (4):

Labcorp Genetics (formerly Invitae), Labcorp
Classification: Benign. Last evaluated: 2026-01-22. Review status: criteria provided, single submitter. Criteria: Invitae Variant Classification Sherloc (09022015). Collection method: clinical testing. Allele origin: germline.

Illumina Laboratory Services, Illumina
Classification: Benign for Hennekam lymphangiectasia-lymphedema syndrome 1. Last evaluated: 2018-01-12. Review status: criteria provided, single submitter. Criteria: ICSL Variant Classification Criteria 13 December 2019. Collection method: clinical testing. Allele origin: germline.
Comment: This variant was observed in the ICSL laboratory as part of a predisposition screen in an ostensibly healthy population. It had not been previously curated by ICSL or reported in the Human Gene Mutation Database (HGMD: prior to June 1st, 2018), and was therefore a candidate for classification through an automated scoring system. Utilizing variant allele frequency, disease prevalence and penetrance estimates, and inheritance mode, an automated score was calculated to assess if this variant is too frequent to cause the disease. Based on the score and internal cut-off values, a variant classified as benign is not then subjected to further curation. The score for this variant resulted in a classification of benign for this disease.

Breakthrough Genomics
Classification: Benign. Review status: criteria provided, single submitter. Criteria: ACMG Guidelines, 2015. Collection method: not provided. Allele origin: germline. Inheritance: Autosomal recessive inheritance. Affected: yes.

PreventionGenetics, part of Exact Sciences
Classification: Benign. Review status: criteria provided, single submitter. Criteria: ACMG Guidelines, 2015. Collection method: clinical testing. Allele origin: germline.